The following is an entry in ClinVar:

ClinVar aggregate classification (germline): Pathogenic (1 of 4 stars; one submission).

Conditions:
Encephalopathy, acute, infection-induced (herpes-specific), susceptibility to, 1. Also called: Herpes simplex encephalitis, susceptibility to, 1. Identifiers: Orphanet 1930, MedGen C2750180, MONDO:0024563, OMIM 610551.

Submission:

Labcorp Genetics (formerly Invitae), Labcorp
Classification: Pathogenic for Encephalopathy, acute, infection-induced (herpes-specific), susceptibility to, 1. Last evaluated: 2021-10-05. Review status: criteria provided, single submitter. Criteria: Invitae Variant Classification Sherloc (09022015). Collection method: clinical testing. Allele origin: germline.
Comment: This sequence change creates a premature translational stop signal (p.Glu96*) in the UNC93B1 gene. It is expected to result in an absent or disrupted protein product. Loss-of-function variants in UNC93B1 are known to be pathogenic (PMID: 16973841). This variant is not present in population databases (ExAC no frequency). This variant has not been reported in the literature in individuals with UNC93B1-related conditions. For these reasons, this variant has been classified as Pathogenic.

Literature cited by the submitters: PubMed 16973841.

NM_030930.4(UNC93B1):c.286G>T (p.Glu96Ter)

Genes: UNC93B1 (unc-93B1 regulator of TLR signaling; minus strand), LOC130006234 (ATAC-STARR-seq lymphoblastoid active region 5128; plus strand). Cytogenetic location: 11q13.2.
Variant type: single nucleotide variant.
Coding change: c.286G>T on transcript NM_030930.4 (MANE Select); coding-DNA position 286, G replaced by T.
Protein change: p.Glu96Ter; replaces glutamic acid 96 with a stop codon.
Molecular consequence: nonsense.
Genome position (GRCh38, 1-based): chr11:68,003,128, C>A on the plus strand (G>T on the coding strand, the complement: UNC93B1 is on the minus strand). VCF-style: chr11-68003128-C-A. GRCh37 (hg19) VCF-style: chr11-67770598-C-A.
Other names: short protein forms E96*.
Identifiers: ClinVar variation 1401543 (VCV001401543.5), dbSNP rs753436679, ClinGen allele CA381578379.